The following is an entry in ClinVar:

GRCh38/hg38 17q12(chr17:36459737-37863709)x1

Genes: AATF (apoptosis antagonizing transcription factor; plus strand), ACACA (acetyl-CoA carboxylase alpha; minus strand), C17orf78 (chromosome 17 open reading frame 78; plus strand), DDX52 (DExD-box helicase 52; minus strand), DHRS11 (dehydrogenase/reductase 11; plus strand) and 30 more. Cytogenetic location: 17q12.
Variant type: copy number loss.
Change: copy number 1 (one copy instead of two) of chr17:36,459,737-37,863,709 (1.40 Mb, GRCh38 coordinates, 1-based), cytogenetic band 17q12.
Identifiers: ClinVar variation 4890946 (VCV004890946.1).

ClinVar aggregate classification (germline): Pathogenic (1 of 4 stars; one submission).

Submission:

Clinical Genomics Laboratory, Laboratory for Precision Diagnostics, University of Washington
Classification: Pathogenic. Last evaluated: 2024-05-16. Review status: criteria provided, single submitter. Criteria: ACMG/ClinGen CNV Guidelines, 2019. Collection method: clinical testing. Allele origin: de novo. Affected: yes. Observed: 1 variant allele.
Comment: This well-known pathogenic deletion causes 17q12 recurrent deletion syndrome, sometimes referred to as renal cysts and diabetes (RCAD) syndrome.

Literature cited by the submitters: PubMed 23258348; PubMed 34828266; PubMed 27409573.